The following is an entry in ClinVar:

ClinVar aggregate classification (germline): Conflicting classifications of pathogenicity. Review status: criteria provided, conflicting classifications (1 of 4 stars). 5 submissions from 5 submitters: Uncertain significance (4); Likely benign (1). Last evaluated 2025-11-24.

Conditions:
Cardiovascular phenotype. Identifiers: MedGen CN230736.
Familial isolated arrhythmogenic right ventricular dysplasia. Identifiers: Orphanet 217656, MedGen C4274968, MONDO:0016342.
Cardiomyopathy (CMYO). Also called: Cardiomyopathies. Identifiers: Orphanet 167848, MedGen C0878544, MONDO:0004994, HP:0001638. Inheritance: Various modes of inheritance.
Arrhythmogenic right ventricular dysplasia 11. Also called: ARRHYTHMOGENIC RIGHT VENTRICULAR DYSPLASIA, FAMILIAL, 11; Arrhythmogenic Right Ventricular Dysplasia/Cardiomyopathy11; Arrhythmogenic right ventricular dysplasia 11 with mild palmoplantar keratoderma and woolly hair. Identifiers: MedGen C1864850, MONDO:0012506, OMIM 610476.

Allele frequency attached by ClinVar (database versions not stated): gnomAD 0.00001; gnomAD exomes 0.00001; TOPMed 0.00002.
gnomAD v4.1: 20 of 1,613,794 alleles (0.0012%); highest among the groups gnomAD compares: Non-Finnish European, 0.0015%; no homozygotes.

Submissions (5):

Labcorp Genetics (formerly Invitae), Labcorp
Classification: Uncertain significance for Arrhythmogenic right ventricular dysplasia 11. Last evaluated: 2025-11-24. Review status: criteria provided, single submitter. Criteria: Invitae Variant Classification Sherloc (09022015). Collection method: clinical testing. Allele origin: germline.
Comment: This sequence change replaces glycine, which is neutral and non-polar, with aspartic acid, which is acidic and polar, at codon 543 of the DSC2 protein (p.Gly543Asp). This variant is present in population databases (no rsID available, gnomAD 0.01%). This variant has not been reported in the literature in individuals affected with DSC2-related conditions. ClinVar contains an entry for this variant (Variation ID: 920449). Invitae Evidence Modeling of protein sequence and biophysical properties (such as structural, functional, and spatial information, amino acid conservation, physicochemical variation, residue mobility, and thermodynamic stability) indicates that this missense variant is not expected to disrupt DSC2 protein function with a negative predictive value of 80%. In summary, the available evidence is currently insufficient to determine the role of this variant in disease. Therefore, it has been classified as a Variant of Uncertain Significance.

Women's Health and Genetics/Laboratory Corporation of America, LabCorp
Classification: Uncertain significance. Last evaluated: 2025-05-18. Review status: criteria provided, single submitter. Criteria: LabCorp Variant Classification Summary - May 2015. Collection method: clinical testing. Allele origin: germline.

All of Us Research Program, National Institutes of Health
Classification: Uncertain significance for Familial isolated arrhythmogenic right ventricular dysplasia. Last evaluated: 2024-09-23. Review status: criteria provided, single submitter. Criteria: ACMG Guidelines, 2015. Collection method: clinical testing. Allele origin: germline. Inheritance: Autosomal dominant inheritance. Observed: 4 variant alleles, 4 heterozygotes.
Comment: This missense variant replaces glycine with aspartic acid at codon 543 of the DSC2 protein. Computational prediction suggests that this variant may not impact protein structure and function (internally defined REVEL score threshold <= 0.5, PMID: 27666373). To our knowledge, functional studies have not been reported for this variant. This variant has not been reported in individuals affected with cardiovascular disorders in the literature. This variant has been identified in 1/31382 chromosomes in the general population by the Genome Aggregation Database (gnomAD). The available evidence is insufficient to determine the role of this variant in disease conclusively. Therefore, this variant is classified as a Variant of Uncertain Significance.

This study involves interpretation of variants in research participants for the purpose of population health screening. Participant phenotype was not available at the time of variant classification. Additional details can be found in publication PMID: 35346344, PMCID: PMC8962531

Color Diagnostics, LLC DBA Color Health
Classification: Uncertain significance for Cardiomyopathy. Last evaluated: 2024-03-06. Review status: criteria provided, single submitter. Criteria: ACMG Guidelines, 2015. Collection method: clinical testing. Allele origin: germline.
Comment: This missense variant replaces glycine with aspartic acid at codon 543 of the DSC2 protein. Computational prediction suggests that this variant may not impact protein structure and function (internally defined REVEL score threshold <= 0.5, PMID: 27666373). To our knowledge, functional studies have not been reported for this variant. This variant has not been reported in individuals affected with cardiovascular disorders in the literature. This variant has been identified in 1/31382 chromosomes in the general population by the Genome Aggregation Database (gnomAD). The available evidence is insufficient to determine the role of this variant in disease conclusively. Therefore, this variant is classified as a Variant of Uncertain Significance.

Ambry Genetics
Classification: Likely benign for Cardiovascular phenotype. Last evaluated: 2023-11-19. Review status: criteria provided, single submitter. Criteria: Ambry Variant Classification Scheme 2023. Collection method: clinical testing. Allele origin: germline.

NM_024422.6(DSC2):c.1628G>A (p.Gly543Asp)

Gene: DSC2 (desmocollin 2; minus strand). Cytogenetic location: 18q12.1.
Variant type: single nucleotide variant.
Coding change: c.1628G>A on transcript NM_024422.6 (MANE Select); coding-DNA position 1628, G replaced by A.
Protein change: p.Gly543Asp; replaces glycine 543 with aspartic acid.
Molecular consequence: missense variant.
Genome position (GRCh38, 1-based): chr18:31,079,882, C>T on the plus strand (G>A on the coding strand, the complement: DSC2 is on the minus strand). VCF-style: chr18-31079882-C-T. GRCh37 (hg19) VCF-style: chr18-28659848-C-T.
Other names: c.1628G>A, p.Gly543Asp (NM_004949.5); short protein forms G543D.
Identifiers: ClinVar variation 920449 (VCV000920449.14), dbSNP rs977709312, ClinGen allele CA297636916.